The following is an entry in ClinVar:

NM_182914.3(SYNE2):c.14139+1G>T

Gene: SYNE2 (spectrin repeat containing nuclear envelope protein 2; plus strand). Cytogenetic location: 14q23.2.
Variant type: single nucleotide variant.
Coding change: c.14139+1G>T on transcript NM_182914.3 (MANE Select); the canonical splice donor site of the intron after coding-DNA position 14139, G replaced by T.
Molecular consequence: splice donor variant.
Genome position (GRCh38, 1-based): chr14:64,129,902, G>T. VCF-style: chr14-64129902-G-T. GRCh37 (hg19) VCF-style: chr14-64596620-G-T.
Other names: c.14139+1G>T (NM_015180.6).
Identifiers: ClinVar variation 5040126 (VCV005040126.1).

ClinVar aggregate classification (germline): Uncertain significance (1 of 4 stars; one submission).

Submission:

CeGaT Center for Human Genetics Tuebingen
Classification: Uncertain significance. Last evaluated: 2026-07-01. Review status: criteria provided, single submitter. Criteria: CeGaT Center For Human Genetics Tuebingen Variant Classification Criteria Version 2. Collection method: clinical testing. Allele origin: germline. Affected: yes. Observed: 1 variant allele.
Comment: SYNE2: PM2, PVS1:Supporting